The following is an entry in ClinVar:

NM_000038.6(APC):c.1742_1743del (p.Lys581fs)

Gene: APC (APC regulator of Wnt signaling pathway; plus strand). Cytogenetic location: 5q22.2.
Variant type: Deletion.
Coding change: c.1742_1743del on transcript NM_000038.6 (MANE Select); coding-DNA positions 1742 to 1743, 2 bases deleted (AG; older notation c.1742_1743delAG).
Protein change: p.Lys581fs; shifts the reading frame from lysine 581.
Molecular consequence: frameshift variant.
Genome position (GRCh38, 1-based): chr5:112,828,971-112,828,972, AG deleted. VCF-style (leftmost placement, unchanged base first): chr5-112828970-AAG-A. GRCh37 (hg19) VCF-style: chr5-112164667-AAG-A.
Other names: c.1742_1743del, p.Lys581fs (NM_001127510.3, NM_001354895.2); c.1688_1689del, p.Lys563fs (NM_001127511.3); c.1796_1797del, p.Lys599fs (NM_001354896.2); c.1772_1773del, p.Lys591fs (NM_001354897.2); c.1667_1668del, p.Lys556fs (NM_001354898.2); c.1658_1659del, p.Lys553fs (NM_001354899.2); c.1619_1620del, p.Lys540fs (NM_001354900.2); c.1565_1566del, p.Lys522fs (NM_001354901.2); and 5 more; short protein forms K298fs, K421fs, K455fs, K480fs, K490fs, K522fs, K540fs, K553fs.
Identifiers: ClinVar variation 1048837 (VCV001048837.1), dbSNP rs2149818599, ClinGen allele CA2499217455.

ClinVar aggregate classification (germline): Pathogenic (0 of 4 stars; one submission).

Conditions:
Familial adenomatous polyposis 1 (FAP1). Also called: POLYPOSIS, ADENOMATOUS INTESTINAL; FAMILIAL ADENOMATOUS POLYPOSIS 1, ATTENUATED. Identifiers: MedGen C2713442, MONDO:0021056, OMIM 175100. Disease mechanism: loss of function.

Submission:

Department of Pathology and Laboratory Medicine, Sinai Health System
Classification: Pathogenic for Familial adenomatous polyposis 1. Review status: no assertion criteria provided. Collection method: clinical testing. Allele origin: unknown. Affected: yes. Study: The Canadian Open Genetics Repository (COGR).
Comment: The APC p.Lys581Argfs*20 variant was not identified in the literature nor was it identified in the dbSNP, ClinVar, or LOVD 3.0 databases. The variant was not identified in the following control databases: the Exome Aggregation Consortium (August 8th 2016) or the Genome Aggregation Database (Feb 27, 2017). The c.1742_1743del variant occurs in the last three bases of the exon. This position has been shown to be part of the splicing consensus sequence and variants involving this position sometimes affect splicing. In addition, 3 of 4 in silico or computational prediction software programs (SpliceSiteFinder, MaxEntScan, NNSPLICE, GeneSplicer) predict a greater than 10% difference in splicing. The c.1742_1743del variant is predicted to cause a frameshift, which alters the protein's amino acid sequence beginning at codon 581 and leads to a premature stop codon at position 600. This alteration is then predicted to result in a truncated or absent protein and loss of function. Loss of function variants of the APC gene are an established mechanism of disease in familial adenomatous polyposis and is the type of variant expected to cause the disorder. In summary, based on the above information, this variant meets our laboratoryâ€šÃ„Ã´s criteria to be classified as pathogenic.